The following is an entry in ClinVar:

ClinVar aggregate classification (germline): Uncertain significance (1 of 4 stars; one submission).

gnomAD v4.1: 1 of 1,613,966 alleles (0.000062%); highest among the groups gnomAD compares: Non-Finnish European, 0.000085%; no homozygotes.

Submission:

GeneDx
Classification: Uncertain significance. Last evaluated: 2022-12-31. Review status: criteria provided, single submitter. Criteria: GeneDx Variant Classification Process June 2021. Collection method: clinical testing. Allele origin: germline. Affected: yes.
Comment: Not observed at significant frequency in large population cohorts (gnomAD); Nonsense variant predicted to result in protein truncation as the last 20 amino acids are lost, although loss-of-function variants have not been reported downstream of this position in the protein; Has not been previously published as pathogenic or benign to our knowledge

NM_006086.4(TUBB3):c.1291G>T (p.Glu431Ter)

Gene: TUBB3 (tubulin beta 3 class III; plus strand). Cytogenetic location: 16q24.3.
Variant type: single nucleotide variant.
Coding change: c.1291G>T on transcript NM_006086.4 (MANE Select); coding-DNA position 1291, G replaced by T.
Protein change: p.Glu431Ter; replaces glutamic acid 431 with a stop codon.
Molecular consequence: nonsense.
Genome position (GRCh38, 1-based): chr16:89,935,742, G>T. VCF-style: chr16-89935742-G-T. GRCh37 (hg19) VCF-style: chr16-90002150-G-T.
Other names: c.1075G>T, p.Glu359Ter (NM_001197181.2); short protein forms E359*, E431*.
Identifiers: ClinVar variation 2507363 (VCV002507363.1), dbSNP rs964422136, ClinGen allele CA397477165.
Genomic context (GRCh38, chr16:89,935,742, plus strand): 5'-GCCGAGAGCAACATGAACGACCTGGTGTCCGAGTACCAGCAGTACCAGGACGCCACGGCC[G>T]AGGAAGAGGGCGAGATGTACGAAGACGACGAGGAGGAGTCGGAGGCCCAGGGCCCCAAGT-3'